The following is an entry in ClinVar:

NM_014629.4(ARHGEF10):c.1867A>G (p.Ile623Val)

Gene: ARHGEF10 (Rho guanine nucleotide exchange factor 10; plus strand). Cytogenetic location: 8p23.3.
Variant type: single nucleotide variant.
Coding change: c.1867A>G on transcript NM_014629.4 (MANE Select); coding-DNA position 1867, A replaced by G.
Protein change: p.Ile623Val; replaces isoleucine 623 with valine.
Molecular consequence: missense variant.
Genome position (GRCh38, 1-based): chr8:1,905,616, A>G. VCF-style: chr8-1905616-A-G. GRCh37 (hg19) VCF-style: chr8-1853782-A-G.
Other names: c.1753A>G, p.Ile585Val (NM_001308152.2); c.1867A>G, p.Ile623Val (NM_001308153.3); short protein forms I623V, I585V, I647V.
Identifiers: ClinVar variation 2053896 (VCV002053896.8), dbSNP rs144835192, ClinGen allele CA4600614.

ClinVar aggregate classification (germline): Conflicting classifications of pathogenicity. Review status: criteria provided, conflicting classifications (1 of 4 stars). 4 submissions from 4 submitters: Uncertain significance (1); Likely benign (2). 1 of the submissions does not count toward it. Last evaluated 2026-04-15.

Conditions:
ARHGEF10-related disorder. Also called: ARHGEF10-related condition.

Allele frequency attached by ClinVar (database versions not stated): ESP Exome Variant Server 0.00038; gnomAD 0.00076; TOPMed 0.00085; 1000 Genomes Project 0.00100; 1000 Genomes Project 30x 0.00109.
gnomAD v4.1: 223 of 1,614,222 alleles (0.014%); highest among the groups gnomAD compares: African/African-American, 0.28%; no homozygotes.

Submissions (4):

Women's Health and Genetics/Laboratory Corporation of America, LabCorp
Classification: Likely benign. Last evaluated: 2026-04-15. Review status: criteria provided, single submitter. Criteria: LabCorp Variant Classification Summary - May 2015. Collection method: clinical testing. Allele origin: germline.
Comment: Variant summary: ARHGEF10 c.1867A>G (p.Ile623Val) results in a conservative amino acid change in the encoded protein sequence. Algorithms developed to predict the effect of missense changes on protein structure and function are either unavailable or do not agree on the potential impact of this missense change. The variant allele was found at a frequency of 0.00017 in 251490 control chromosomes, predominantly at a frequency of 0.0023 within the African or African-American subpopulation in the gnomAD database. The observed variant frequency within African or African-American control individuals in the gnomAD database exceeds the estimated maximal expected allele frequency for disease-causing variants in ARHGEF10. To our knowledge, no occurrence of c.1867A>G in individuals affected with ARHGEF10-related conditions and no experimental evidence demonstrating its impact on protein function have been reported. ClinVar contains an entry for this variant (Variation ID: 2053896). Based on the evidence outlined above, the variant was classified as likely benign.

Ambry Genetics
Classification: Uncertain significance. Last evaluated: 2025-08-24. Review status: criteria provided, single submitter. Criteria: Ambry Variant Classification Scheme 2023. Collection method: clinical testing. Allele origin: germline.

Labcorp Genetics (formerly Invitae), Labcorp
Classification: Likely benign. Last evaluated: 2025-05-17. Review status: criteria provided, single submitter. Criteria: Invitae Variant Classification Sherloc (09022015). Collection method: clinical testing. Allele origin: germline.

PreventionGenetics, part of Exact Sciences
Classification: Likely benign for ARHGEF10-related condition. Last evaluated: 2020-01-14. Review status: no assertion criteria provided. Collection method: clinical testing. Allele origin: germline. Not counted in ClinVar's aggregate classification.
Comment: This variant is classified as likely benign based on ACMG/AMP sequence variant interpretation guidelines (Richards et al. 2015 PMID: 25741868, with internal and published modifications).